The following is an entry in ClinVar:

ClinVar aggregate classification (germline): Pathogenic (1 of 4 stars; one submission).

Submission:

Labcorp Genetics (formerly Invitae), Labcorp
Classification: Pathogenic. Last evaluated: 2022-09-27. Review status: criteria provided, single submitter. Criteria: Invitae Variant Classification Sherloc (09022015). Collection method: clinical testing. Allele origin: germline.
Comment: For these reasons, this variant has been classified as Pathogenic. This variant has not been reported in the literature in individuals affected with TRPM1-related conditions. This variant is a gross deletion of the genomic region encompassing exon(s) 12-22 of the TRPM1 gene. This deletion is out-of-frame, and is expected to create a premature termination codon and result in an absent or disrupted protein product. Loss-of-function variants in TRPM1 are known to be pathogenic (PMID: 19896113, 19966281, 20300565).

Literature cited by the submitters: PubMed 19896113; PubMed 19966281; PubMed 20300565.

NC_000015.10:g.(?_31030983)_(31049509_?)del

Gene: TRPM1 (transient receptor potential cation channel subfamily M member 1; minus strand). Cytogenetic location: 15q13.3.
Variant type: Deletion.
Identifiers: ClinVar variation 833317 (VCV000833317.6).